The following is an entry in ClinVar:

NM_030665.4(RAI1):c.380_400del (p.Pro127_Pro133del)

Gene: RAI1 (retinoic acid induced 1; plus strand). Cytogenetic location: 17p11.2.
Variant type: Deletion.
Coding change: c.380_400del on transcript NM_030665.4 (MANE Select); coding-DNA positions 380 to 400, 21 bases deleted (CACCCCCACAGCCGCAGCCAC).
Protein change: p.Pro127_Pro133del.
Molecular consequence: inframe deletion.
Genome position (GRCh38, 1-based): chr17:17,793,328-17,793,348, CACCCCCACAGCCGCAGCCAC deleted; deleting any 21 consecutive bases within chr17:17,793,321-17,793,348 gives the same sequence; the c. name uses the placement nearest the transcript's 3' end. VCF-style (leftmost placement, unchanged base first): chr17-17793320-ACAGCCACCACCCCCACAGCCG-A. GRCh37 (hg19) VCF-style: chr17-17696634-ACAGCCACCACCCCCACAGCCG-A.
Identifiers: ClinVar variation 2071967 (VCV002071967.6), dbSNP rs753852376, ClinGen allele CA8418108.
Genomic context (GRCh38, chr17:17,793,320, plus strand): 5'-CAGCAGCCCCTACCCAGGCCGCTATGCTGGTGAGGAGAGCCTTCAGGCTTGGGGGGCCCC[ACAGCCACCACCCCCACAGCCG>A]CAGCCACTACCTGCAGGGGTGGCCAAGTATGATGAGAACTTGATGAAAAAGACAGCAGTG-3'

ClinVar aggregate classification (germline): Uncertain significance. Review status: criteria provided, multiple submitters, no conflicts (2 of 4 stars). 3 submissions from 3 submitters: Uncertain significance (2). 1 of the submissions does not count toward it. Last evaluated 2026-01-09.

Conditions:
RAI1-related disorder. Also called: RAI1-related condition.
Inborn genetic diseases. Identifiers: MedGen C0950123, MeSH D030342.

Submissions (3):

Labcorp Genetics (formerly Invitae), Labcorp
Classification: Uncertain significance. Last evaluated: 2026-01-09. Review status: criteria provided, single submitter. Criteria: Invitae Variant Classification Sherloc (09022015). Collection method: clinical testing. Allele origin: germline.
Comment: This variant, c.380_400del, results in the deletion of 7 amino acid(s) of the RAI1 protein (p.Pro127_Pro133del), but otherwise preserves the integrity of the reading frame. This variant is not present in population databases (gnomAD no frequency). This variant has not been reported in the literature in individuals affected with RAI1-related conditions. ClinVar contains an entry for this variant (Variation ID: 2071967). Experimental studies and prediction algorithms are not available or were not evaluated, and the functional significance of this variant is currently unknown. In summary, the available evidence is currently insufficient to determine the role of this variant in disease. Therefore, it has been classified as a Variant of Uncertain Significance.

Ambry Genetics
Classification: Uncertain significance for Inborn genetic diseases. Last evaluated: 2022-02-15. Review status: criteria provided, single submitter. Criteria: Ambry Variant Classification Scheme 2023. Collection method: clinical testing. Allele origin: germline.
Comment: The c.380_400del21 (p.P127_P133del) alteration is located in exon 3 (coding exon 1) of the RAI1 gene. This alteration consists of an in-frame deletion of 21 nucleotides between nucleotide positions c.380 and c.400, resulting in the deletion of <NA> residues. Based on insufficient or conflicting evidence, the clinical significance of this alteration remains unclear.

PreventionGenetics, part of Exact Sciences
Classification: Uncertain significance for RAI1-related condition. Last evaluated: 2024-01-02. Review status: no assertion criteria provided. Collection method: clinical testing. Allele origin: germline. Not counted in ClinVar's aggregate classification.
Comment: The RAI1 c.380_400del21 variant is predicted to result in an in-frame deletion (p.Pro127_Pro133del). To our knowledge, this variant has not been reported in the literature or in a large population database, indicating this variant is rare. At this time, the clinical significance of this variant is uncertain due to the absence of conclusive functional and genetic evidence.